The following is an entry in ClinVar:

NM_206933.4(USH2A):c.8558+1G>T

Gene: USH2A (usherin; minus strand). Cytogenetic location: 1q41.
Variant type: single nucleotide variant.
Coding change: c.8558+1G>T on transcript NM_206933.4 (MANE Select); the canonical splice donor site of the intron after coding-DNA position 8558, G replaced by T.
Molecular consequence: splice donor variant.
Genome position (GRCh38, 1-based): chr1:215,878,763, C>A on the plus strand (G>T on the coding strand, the complement: USH2A is on the minus strand). VCF-style: chr1-215878763-C-A. GRCh37 (hg19) VCF-style: chr1-216052105-C-A.
Identifiers: ClinVar variation 555522 (VCV000555522.15), dbSNP rs770383273, ClinGen allele CA344830124.

ClinVar aggregate classification (germline): Pathogenic/Likely pathogenic. Review status: criteria provided, multiple submitters, no conflicts (2 of 4 stars). 6 submissions from 5 submitters: Pathogenic (1); Likely pathogenic (3). 2 of the submissions do not count toward it. Last evaluated 2023-11-17.

Conditions:
USH2A-related disorder. Also called: USH2A-related disorders; USH2A-related condition. Identifiers: MedGen CN239332.
Usher syndrome type 2. Also called: Usher Syndrome Type II. Identifiers: Orphanet 231178, MedGen C0339534, MONDO:0016484.
Usher syndrome type 2A. Also called: RETINAL DISEASE IN USHER SYNDROME TYPE IIA, MODIFIER OF; USHER SYNDROME, TYPE IIA. Identifiers: Orphanet 231178, Orphanet 886, MedGen C1848634, MONDO:0010169, OMIM 276901.
Retinitis pigmentosa 39 (RP39). Identifiers: Orphanet 791, MedGen C3151138, MONDO:0013436, OMIM 613809.

Submissions (6):

Labcorp Genetics (formerly Invitae), Labcorp
Classification: Likely pathogenic. Last evaluated: 2023-11-17. Review status: criteria provided, single submitter. Criteria: Invitae Variant Classification Sherloc (09022015). Collection method: clinical testing. Allele origin: germline.
Comment: This sequence change affects a donor splice site in intron 42 of the USH2A gene. It is expected to disrupt RNA splicing. Variants that disrupt the donor or acceptor splice site typically lead to a loss of protein function (PMID: 16199547), and loss-of-function variants in USH2A are known to be pathogenic (PMID: 10729113, 10909849, 20507924, 25649381). This variant is not present in population databases (gnomAD no frequency). Disruption of this splice site has been observed in individual(s) with retinitis pigmentosa and/or Usher syndrome (PMID: 29490346, 31456290). ClinVar contains an entry for this variant (Variation ID: 555522). Algorithms developed to predict the effect of sequence changes on RNA splicing suggest that this variant may disrupt the consensus splice site. In summary, the currently available evidence indicates that the variant is pathogenic, but additional data are needed to prove that conclusively. Therefore, this variant has been classified as Likely Pathogenic.

Genome-Nilou Lab
Classification: Likely pathogenic for Retinitis pigmentosa 39. Last evaluated: 2023-04-11. Review status: criteria provided, single submitter. Criteria: ACMG Guidelines, 2015. Collection method: clinical testing. Allele origin: germline. Affected: no.

Genome-Nilou Lab
Classification: Likely pathogenic for Usher syndrome type 2A. Last evaluated: 2023-04-11. Review status: criteria provided, single submitter. Criteria: ACMG Guidelines, 2015. Collection method: clinical testing. Allele origin: germline. Affected: no.

Blueprint Genetics
Classification: Pathogenic for USH2A-related disorders. Last evaluated: 2022-05-24. Review status: criteria provided, single submitter. Criteria: ACMG Guidelines, 2015. Collection method: clinical testing. Allele origin: germline. Affected: yes. Observed: 3 variant alleles.

Sharon lab, Hadassah-Hebrew University Medical Center
Classification: Pathogenic for Usher syndrome type 2. Last evaluated: 2019-06-23. Review status: no assertion criteria provided. Collection method: research. Allele origin: inherited. Affected: yes. Not counted in ClinVar's aggregate classification.

Counsyl
Classification: Likely pathogenic for Usher syndrome type 2A; Retinitis pigmentosa 39. Last evaluated: 2017-12-18. Review status: no assertion criteria provided. Collection method: clinical testing. Allele origin: unknown. Not counted in ClinVar's aggregate classification.

Literature cited by the submitters: PubMed 16199547 (cited by Labcorp Genetics (formerly Invitae), Labcorp); PubMed 10729113 (cited by Labcorp Genetics (formerly Invitae), Labcorp); PubMed 10909849 (cited by Labcorp Genetics (formerly Invitae), Labcorp); PubMed 20507924 (cited by Labcorp Genetics (formerly Invitae), Labcorp); PubMed 25649381 (cited by Labcorp Genetics (formerly Invitae), Labcorp); PubMed 29490346 (cited by Labcorp Genetics (formerly Invitae), Labcorp); PubMed 31456290 (cited by Labcorp Genetics (formerly Invitae), Labcorp).